The following is an entry in ClinVar:

NM_003737.4(DCHS1):c.5599G>T (p.Asp1867Tyr)

Gene: DCHS1 (dachsous cadherin-related 1; minus strand). Cytogenetic location: 11p15.4.
Variant type: single nucleotide variant.
Coding change: c.5599G>T on transcript NM_003737.4 (MANE Select); coding-DNA position 5599, G replaced by T.
Protein change: p.Asp1867Tyr; replaces aspartic acid 1867 with tyrosine.
Molecular consequence: missense variant.
Genome position (GRCh38, 1-based): chr11:6,627,440, C>A on the plus strand (G>T on the coding strand, the complement: DCHS1 is on the minus strand). VCF-style: chr11-6627440-C-A. GRCh37 (hg19) VCF-style: chr11-6648671-C-A.
Other names: c.5599G>T (NM_003737.2); short protein forms D1867Y.
Identifiers: ClinVar variation 2091443 (VCV002091443.5), dbSNP rs779396442, ClinGen allele CA5860056.

ClinVar aggregate classification (germline): Uncertain significance. Review status: criteria provided, multiple submitters, no conflicts (2 of 4 stars). 2 submissions from 2 submitters: Uncertain significance (2). Last evaluated 2025-12-16.

Conditions:
Inborn genetic diseases. Identifiers: MedGen C0950123, MeSH D030342.

Allele frequency attached by ClinVar (database versions not stated): gnomAD 0.00001; TOPMed 0.00001; gnomAD exomes 0.00002; ExAC 0.00004.
gnomAD v4.1: 24 of 1,610,406 alleles (0.0015%); highest among the groups gnomAD compares: South Asian, 0.022%; no homozygotes.

Submissions (2):

Ambry Genetics
Classification: Uncertain significance for Inborn genetic diseases. Last evaluated: 2025-12-16. Review status: criteria provided, single submitter. Criteria: Ambry Variant Classification Scheme 2023. Collection method: clinical testing. Allele origin: germline.

Labcorp Genetics (formerly Invitae), Labcorp
Classification: Uncertain significance. Last evaluated: 2022-10-23. Review status: criteria provided, single submitter. Criteria: Invitae Variant Classification Sherloc (09022015). Collection method: clinical testing. Allele origin: germline.
Comment: This sequence change replaces aspartic acid, which is acidic and polar, with tyrosine, which is neutral and polar, at codon 1867 of the DCHS1 protein (p.Asp1867Tyr). This variant is present in population databases (rs779396442, gnomAD 0.02%). This variant has not been reported in the literature in individuals affected with DCHS1-related conditions. Advanced modeling of protein sequence and biophysical properties (such as structural, functional, and spatial information, amino acid conservation, physicochemical variation, residue mobility, and thermodynamic stability) performed at Invitae indicates that this missense variant is expected to disrupt DCHS1 protein function. In summary, the available evidence is currently insufficient to determine the role of this variant in disease. Therefore, it has been classified as a Variant of Uncertain Significance.